The following is an entry in ClinVar:

NM_024426.6(WT1):c.887+82G>T

Gene: WT1 (WT1 transcription factor; minus strand). Cytogenetic location: 11p13.
Variant type: single nucleotide variant.
Coding change: c.887+82G>T on transcript NM_024426.6 (MANE Select); 82 bases into the intron after coding-DNA position 887, G replaced by T.
Molecular consequence: intron variant.
Genome position (GRCh38, 1-based): chr11:32,427,874, C>A on the plus strand (G>T on the coding strand, the complement: WT1 is on the minus strand). VCF-style: chr11-32427874-C-A. GRCh37 (hg19) VCF-style: chr11-32449420-C-A.
Other names: c.764+82G>T (NM_001407050.1, NM_001407047.1); c.887+82G>T (NM_001407048.1, NM_001407049.1, NM_000378.6 and 4 more transcripts); c.125+82G>T (NM_001407051.1); c.236+82G>T (NM_001198552.2, NM_001198551.2).
Identifiers: ClinVar variation 1292784 (VCV001292784.6), dbSNP rs5030170, ClinGen allele CA13458868.
Genomic context (GRCh38, chr11:32,427,874, plus strand): 5'-GTGGAGTCGAGGCGTCTCGTGCCTCCAAGACCCTGCATGCCCGCAGTCAGGGCTGCCCGG[C>A]TGGGGCGTTCCCAAGTCCGCCGGCTCATGCGTCCCCTCCGGGGTCCCAAGGACCCAGACG-3'

ClinVar aggregate classification (germline): Benign. Review status: criteria provided, multiple submitters, no conflicts (2 of 4 stars). 3 submissions from 3 submitters: Benign (3). Last evaluated 2024-07-15.

Allele frequency attached by ClinVar (database versions not stated): gnomAD 0.19727 and 0.21170; TOPMed 0.22165; 1000 Genomes Project 30x 0.36321; 1000 Genomes Project 0.37300.
gnomAD v4.1: 257,474 of 1,383,662 alleles (19%); highest among the groups gnomAD compares: East Asian, 69%; 33,491 homozygotes.

Submissions (3):

Unidad de Genómica Garrahan, Hospital de Pediatría Garrahan
Classification: Benign. Last evaluated: 2024-07-15. Review status: criteria provided, single submitter. Criteria: ACMG Guidelines, 2015. Collection method: clinical testing. Allele origin: germline. Affected: no. Observed: 29 variant alleles.
Comment: This variant is classified as Benign based on local population frequency. This variant was detected in 31% of patients studied in a panel designed for Epileptic and Developmental Encephalopathy and Progressive Myoclonus Epilepsy. Number of patients: 29. Only high quality variants are reported.

GeneDx
Classification: Benign. Last evaluated: 2018-06-24. Review status: criteria provided, single submitter. Criteria: GeneDx Variant Classification Process June 2021. Collection method: clinical testing. Allele origin: germline. Affected: yes.

Breakthrough Genomics
Classification: Benign. Review status: criteria provided, single submitter. Criteria: ACMG Guidelines, 2015. Collection method: not provided. Allele origin: germline. Inheritance: Autosomal dominant inheritance. Affected: yes.